The following is an entry in ClinVar:

NM_003737.4(DCHS1):c.8638G>T (p.Gly2880Ter)

Gene: DCHS1 (dachsous cadherin-related 1; minus strand). Cytogenetic location: 11p15.4.
Variant type: single nucleotide variant.
Coding change: c.8638G>T on transcript NM_003737.4 (MANE Select); coding-DNA position 8638, G replaced by T.
Protein change: p.Gly2880Ter; replaces glycine 2880 with a stop codon.
Molecular consequence: nonsense.
Genome position (GRCh38, 1-based): chr11:6,623,038, C>A on the plus strand (G>T on the coding strand, the complement: DCHS1 is on the minus strand). VCF-style: chr11-6623038-C-A. GRCh37 (hg19) VCF-style: chr11-6644269-C-A.
Other names: short protein forms G2880*.
Identifiers: ClinVar variation 3061047 (VCV003061047.2), dbSNP rs1383439621, ClinGen allele CA379480610.

ClinVar aggregate classification (germline): Uncertain significance (0 of 4 stars; one submission).

Conditions:
DCHS1-related disorder. Also called: DCHS1-related condition.

Submission:

PreventionGenetics, part of Exact Sciences
Classification: Uncertain significance for DCHS1-related condition. Last evaluated: 2024-02-20. Review status: no assertion criteria provided. Collection method: clinical testing. Allele origin: germline.
Comment: The DCHS1 c.8638G>T variant is predicted to result in premature protein termination (p.Gly2880*). To our knowledge, this variant has not been reported in the literature or in a large population database, indicating this variant is rare. Although we suspect that this variant may be pathogenic, at this time, the clinical significance of this variant is uncertain due to the absence of conclusive functional and genetic evidence.